The following is an entry in ClinVar:

NM_002234.4(KCNA5):c.1471G>A (p.Val491Ile)

Gene: KCNA5 (potassium voltage-gated channel subfamily A member 5; plus strand). Cytogenetic location: 12p13.32.
Variant type: single nucleotide variant.
Coding change: c.1471G>A on transcript NM_002234.4 (MANE Select); coding-DNA position 1471, G replaced by A.
Protein change: p.Val491Ile; replaces valine 491 with isoleucine.
Molecular consequence: missense variant.
Genome position (GRCh38, 1-based): chr12:5,045,618, G>A. VCF-style: chr12-5045618-G-A. GRCh37 (hg19) VCF-style: chr12-5154784-G-A.
Other names: short protein forms V491I.
Identifiers: ClinVar variation 1943532 (VCV001943532.5), dbSNP rs2497480760, ClinGen allele CA383466563.

ClinVar aggregate classification (germline): Uncertain significance (1 of 4 stars; one submission).

Conditions:
Atrial fibrillation, familial, 7 (ATFB7). Identifiers: MedGen C2677106, MONDO:0012828, OMIM 612240.

Allele frequency attached by ClinVar (database versions not stated): gnomAD exomes below 0.00001.

Submission:

Labcorp Genetics (formerly Invitae), Labcorp
Classification: Uncertain significance for Atrial fibrillation, familial, 7. Last evaluated: 2022-04-10. Review status: criteria provided, single submitter. Criteria: Invitae Variant Classification Sherloc (09022015). Collection method: clinical testing. Allele origin: germline.
Comment: This sequence change replaces valine, which is neutral and non-polar, with isoleucine, which is neutral and non-polar, at codon 491 of the KCNA5 protein (p.Val491Ile). In summary, the available evidence is currently insufficient to determine the role of this variant in disease. Therefore, it has been classified as a Variant of Uncertain Significance. Algorithms developed to predict the effect of missense changes on protein structure and function are either unavailable or do not agree on the potential impact of this missense change (SIFT: "Tolerated"; PolyPhen-2: "Probably Damaging"; Align-GVGD: "Class C0"). This variant has not been reported in the literature in individuals affected with KCNA5-related conditions. This variant is not present in population databases (gnomAD no frequency).